The following is an entry in ClinVar:

ClinVar aggregate classification (germline): Likely benign. Review status: criteria provided, single submitter (1 of 4 stars). 2 submissions from 2 submitters: Likely benign (1). 1 of the submissions does not count toward it. Last evaluated 2024-01-29.

Conditions:
SLC16A1-related disorder. Also called: SLC16A1-related disorders; SLC16A1-related condition.

Allele frequency attached by ClinVar (database versions not stated): gnomAD 0.00001; gnomAD exomes 0.00001; ExAC 0.00003; TOPMed 0.00003.
gnomAD v4.1: 27 of 1,614,040 alleles (0.0017%); highest among the groups gnomAD compares: East Asian, 0.051%; no homozygotes.

Submissions (2):

Labcorp Genetics (formerly Invitae), Labcorp
Classification: Likely benign. Last evaluated: 2024-01-29. Review status: criteria provided, single submitter. Criteria: Invitae Variant Classification Sherloc (09022015). Collection method: clinical testing. Allele origin: germline.

PreventionGenetics, part of Exact Sciences
Classification: Likely benign for SLC16A1-related condition. Last evaluated: 2019-12-23. Review status: no assertion criteria provided. Collection method: clinical testing. Allele origin: germline. Not counted in ClinVar's aggregate classification.
Comment: This variant is classified as likely benign based on ACMG/AMP sequence variant interpretation guidelines (Richards et al. 2015 PMID: 25741868, with internal and published modifications).

NM_003051.4(SLC16A1):c.78T>A (p.Ala26=)

Gene: SLC16A1 (solute carrier family 16 member 1; minus strand). Cytogenetic location: 1p13.2.
Variant type: single nucleotide variant.
Coding change: c.78T>A on transcript NM_003051.4 (MANE Select); coding-DNA position 78, T replaced by A.
Protein change: p.Ala26=; no amino-acid change (alanine 26 retained).
Molecular consequence: synonymous variant.
Genome position (GRCh38, 1-based): chr1:112,929,231, A>T on the plus strand (T>A on the coding strand, the complement: SLC16A1 is on the minus strand). VCF-style: chr1-112929231-A-T. GRCh37 (hg19) VCF-style: chr1-113471853-A-T.
Other names: c.78T>A, p.Ala26= (NM_001166496.2); c.78T>A (NM_003051.3).
Identifiers: ClinVar variation 2896367 (VCV002896367.5), dbSNP rs771773316, ClinGen allele CA1011527.